The following is an entry in ClinVar:

NM_002230.4(JUP):c.1910G>A (p.Arg637His)

Gene: JUP (junction plakoglobin; minus strand). Cytogenetic location: 17q21.2.
Variant type: single nucleotide variant.
Coding change: c.1910G>A on transcript NM_002230.4 (MANE Select); coding-DNA position 1910, G replaced by A.
Protein change: p.Arg637His; replaces arginine 637 with histidine.
Molecular consequence: missense variant.
Genome position (GRCh38, 1-based): chr17:41,757,648, C>T on the plus strand (G>A on the coding strand, the complement: JUP is on the minus strand). VCF-style: chr17-41757648-C-T. GRCh37 (hg19) VCF-style: chr17-39913900-C-T.
Other names: c.1910G>A, p.Arg637His (NM_001352773.2, NM_001352774.2, NM_001352775.2 and 3 more transcripts); short protein forms R637H.
Identifiers: ClinVar variation 178041 (VCV000178041.20), dbSNP rs142095597, ClinGen allele CA181259.
Genomic context (GRCh38, chr17:41,757,648, plus strand): 5'-GTGGCTGGGGGAGTGGGACCCAGCCTCCTGCCCTCCCCCAGCTCACCAGTGCCCTCGTTG[C>T]GGGAGTGCAGCAACTCCATGAGTGGGGCCGAGGCCCCCTCTGCATCAATGGCGTCGGCCG-3'
Protein context (NP_002221.1, residues 627-647): SAPLMELLHS[Arg637His]NEGTATYAAA

ClinVar aggregate classification (germline): Likely benign. Review status: criteria provided, multiple submitters, no conflicts (2 of 4 stars). 5 submissions from 5 submitters: Likely benign (5). Last evaluated 2026-01-25.

Conditions:
Naxos disease (NXD). Also called: CARDIOMYOPATHY, ARRHYTHMOGENIC RIGHT VENTRICULAR, WITH SKIN, HAIR, AND NAIL ABNORMALITIES; KERATOSIS PALMOPLANTARIS WITH ARRHYTHMOGENIC CARDIOMYOPATHY; MAL DE NAXOS; PALMOPLANTAR KERATODERMA WITH ARRHYTHMOGENIC RIGHT VENTRICULAR CARDIOMYOPATHY AND WOOLLY HAIR; WOOLLY HAIR, PALMOPLANTAR KERATODERMA, AND CARDIAC ABNORMALITIES. Identifiers: Orphanet 34217, MedGen C1832600, MONDO:0011017, OMIM 601214.
Arrhythmogenic right ventricular dysplasia 12. Also called: ARRHYTHMOGENIC RIGHT VENTRICULAR DYSPLASIA, FAMILIAL, 12. Identifiers: MedGen C1969081, MONDO:0012684, OMIM 611528.
Cardiovascular phenotype. Identifiers: MedGen CN230736.

Allele frequency attached by ClinVar (database versions not stated): ExAC 0.00008; TOPMed 0.00018; ESP Exome Variant Server 0.00023; gnomAD 0.00025.
gnomAD v4.1: 81 of 1,613,416 alleles (0.005%); highest among the groups gnomAD compares: African/African-American, 0.089%; no homozygotes.

Submissions (5):

Labcorp Genetics (formerly Invitae), Labcorp
Classification: Likely benign for Arrhythmogenic right ventricular dysplasia 12; Naxos disease. Last evaluated: 2026-01-25. Review status: criteria provided, single submitter. Criteria: Invitae Variant Classification Sherloc (09022015). Collection method: clinical testing. Allele origin: germline.

Women's Health and Genetics/Laboratory Corporation of America, LabCorp
Classification: Likely benign. Last evaluated: 2022-06-18. Review status: criteria provided, single submitter. Criteria: LabCorp Variant Classification Summary - May 2015. Collection method: clinical testing. Allele origin: germline.

Ambry Genetics
Classification: Likely benign for Cardiovascular phenotype. Last evaluated: 2022-02-11. Review status: criteria provided, single submitter. Criteria: Ambry Variant Classification Scheme 2023. Collection method: clinical testing. Allele origin: germline.

GeneDx
Classification: Likely benign. Last evaluated: 2018-10-08. Review status: criteria provided, single submitter. Criteria: GeneDx Variant Classification Process June 2021. Collection method: clinical testing. Allele origin: germline. Affected: yes.

Laboratory for Molecular Medicine, Mass General Brigham Personalized Medicine
Classification: Likely benign. Last evaluated: 2014-04-17. Review status: criteria provided, single submitter. Criteria: LMM Criteria. Collection method: clinical testing. Allele origin: germline. Observed: 2 variant alleles.
Comment: Arg637His in exon 11 of JUP: This variant is not expected to have clinical signi ficance due to a lack of conservation across species, including mammals. Of note , multiple mammals have a histidine (His) at this position despite high nearby a mino acid conservation. In addition, computational prediction tools do not sugge st a high likelihood of impact to the protein. It has also been identified in 3/ 4406 African American chromosomes by the NHLBI Exome Sequencing Project (dbSNP rs142095597).

Literature cited by the submitters: PubMed 30847666 (cited by Ambry Genetics).